The following is an entry in ClinVar:

NM_002074.5(GNB1):c.519C>G (p.Thr173=)

Gene: GNB1 (G protein subunit beta 1; minus strand). Cytogenetic location: 1p36.33.
Variant type: single nucleotide variant.
Coding change: c.519C>G on transcript NM_002074.5 (MANE Select); coding-DNA position 519, C replaced by G.
Protein change: p.Thr173=; no amino-acid change (threonine 173 retained).
Molecular consequence: synonymous variant.
Genome position (GRCh38, 1-based): chr1:1,790,575, G>C on the plus strand (C>G on the coding strand, the complement: GNB1 is on the minus strand). VCF-style: chr1-1790575-G-C. GRCh37 (hg19) VCF-style: chr1-1722014-G-C.
Other names: c.219C>G, p.Thr73= (NM_001282538.2); c.519C>G, p.Thr173= (NM_001282539.2).
Identifiers: ClinVar variation 5038851 (VCV005038851.1).

ClinVar aggregate classification (germline): Likely benign (1 of 4 stars; one submission).

gnomAD v4.1: 5 of 1,613,012 alleles (0.00031%); highest among the groups gnomAD compares: Non-Finnish European, 0.00034%; no homozygotes.

Submission:

CeGaT Center for Human Genetics Tuebingen
Classification: Likely benign. Last evaluated: 2026-07-01. Review status: criteria provided, single submitter. Criteria: CeGaT Center For Human Genetics Tuebingen Variant Classification Criteria Version 2. Collection method: clinical testing. Allele origin: germline. Affected: yes. Observed: 1 variant allele.
Comment: GNB1: BP4, BP7